The following is an entry in ClinVar:

NM_017780.4(CHD7):c.3994C>T (p.Pro1332Ser)

Gene: CHD7 (chromodomain helicase DNA binding protein 7; plus strand). Cytogenetic location: 8q12.2.
Variant type: single nucleotide variant.
Coding change: c.3994C>T on transcript NM_017780.4 (MANE Select); coding-DNA position 3994, C replaced by T.
Protein change: p.Pro1332Ser; replaces proline 1332 with serine.
Molecular consequence: missense variant. On other transcripts: intron variant (1).
Genome position (GRCh38, 1-based): chr8:60,836,821, C>T. VCF-style: chr8-60836821-C-T. GRCh37 (hg19) VCF-style: chr8-61749380-C-T.
Other names: c.1717-25408C>T (NM_001316690.1); short protein forms P1332S.
Identifiers: ClinVar variation 1695451 (VCV001695451.5), dbSNP rs1804764382, ClinGen allele CA371316570.

ClinVar aggregate classification (germline): Uncertain significance. Review status: criteria provided, multiple submitters, no conflicts (2 of 4 stars). 2 submissions from 2 submitters: Uncertain significance (2). Last evaluated 2024-11-22.

Conditions:
CHARGE syndrome (CHARGE). Also called: Coloboma, heart anomaly, choanal atresia, retardation, genital and ear anomalies; CHARGE association; Hall-Hittner syndrome; Hittner Hirsch Kreh syndrome; CHARGE ASSOCIATION--COLOBOMA, HEART ANOMALY, CHOANAL ATRESIA, RETARDATION, GENITAL AND EAR ANOMALIES. Identifiers: Orphanet 138, MedGen C0265354, MONDO:0008965.

Allele frequency attached by ClinVar (database versions not stated): gnomAD 0.00001.
gnomAD v4.1: 3 of 1,613,050 alleles (0.00019%); highest among the groups gnomAD compares: African/African-American, 0.0013%; no homozygotes.

Submissions (2):

GeneDx
Classification: Uncertain significance. Last evaluated: 2024-11-22. Review status: criteria provided, single submitter. Criteria: GeneDx Variant Classification Process June 2021. Collection method: clinical testing. Allele origin: germline. Affected: yes.
Comment: Not observed at significant frequency in large population cohorts (gnomAD); In silico analysis indicates that this missense variant does not alter protein structure/function; Has not been previously published as pathogenic or benign to our knowledge

Labcorp Genetics (formerly Invitae), Labcorp
Classification: Uncertain significance for CHARGE syndrome. Last evaluated: 2024-07-19. Review status: criteria provided, single submitter. Criteria: Invitae Variant Classification Sherloc (09022015). Collection method: clinical testing. Allele origin: germline.
Comment: This sequence change replaces proline, which is neutral and non-polar, with serine, which is neutral and polar, at codon 1332 of the CHD7 protein (p.Pro1332Ser). This variant is not present in population databases (gnomAD no frequency). This variant has not been reported in the literature in individuals affected with CHD7-related conditions. ClinVar contains an entry for this variant (Variation ID: 1695451). Advanced modeling of protein sequence and biophysical properties (such as structural, functional, and spatial information, amino acid conservation, physicochemical variation, residue mobility, and thermodynamic stability) performed at Invitae indicates that this missense variant is not expected to disrupt CHD7 protein function with a negative predictive value of 95%. In summary, the available evidence is currently insufficient to determine the role of this variant in disease. Therefore, it has been classified as a Variant of Uncertain Significance.